The following is an entry in ClinVar:

ClinVar aggregate classification (germline): Uncertain significance (1 of 4 stars; one submission).

Conditions:
Bethlem myopathy 1A. Also called: MYOPATHY, BENIGN CONGENITAL, WITH CONTRACTURES; Bethlem myopathy 1; Bethlem Muscular Dystrophy. Identifiers: Orphanet 610, MedGen CN029274, MONDO:0024530, OMIM 158810.

gnomAD v4.1: 1 of 1,614,234 alleles (0.000062%); no homozygotes.

Submission:

Labcorp Genetics (formerly Invitae), Labcorp
Classification: Uncertain significance for Bethlem myopathy 1A. Last evaluated: 2024-08-08. Review status: criteria provided, single submitter. Criteria: Invitae Variant Classification Sherloc (09022015). Collection method: clinical testing. Allele origin: germline.
Comment: This sequence change replaces arginine, which is basic and polar, with lysine, which is basic and polar, at codon 1700 of the COL6A3 protein (p.Arg1700Lys). This variant is not present in population databases (gnomAD no frequency). This variant has not been reported in the literature in individuals affected with COL6A3-related conditions. Advanced modeling of protein sequence and biophysical properties (such as structural, functional, and spatial information, amino acid conservation, physicochemical variation, residue mobility, and thermodynamic stability) performed at Invitae indicates that this missense variant is not expected to disrupt COL6A3 protein function with a negative predictive value of 80%. In summary, the available evidence is currently insufficient to determine the role of this variant in disease. Therefore, it has been classified as a Variant of Uncertain Significance.

NM_004369.4(COL6A3):c.5099G>A (p.Arg1700Lys)

Gene: COL6A3 (collagen type VI alpha 3 chain; minus strand). Cytogenetic location: 2q37.3.
Variant type: single nucleotide variant.
Coding change: c.5099G>A on transcript NM_004369.4 (MANE Select); coding-DNA position 5099, G replaced by A.
Protein change: p.Arg1700Lys; replaces arginine 1700 with lysine.
Molecular consequence: missense variant.
Genome position (GRCh38, 1-based): chr2:237,367,088, C>T on the plus strand (G>A on the coding strand, the complement: COL6A3 is on the minus strand). VCF-style: chr2-237367088-C-T. GRCh37 (hg19) VCF-style: chr2-238275731-C-T.
Other names: c.3278G>A, p.Arg1093Lys (NM_057166.5); c.4481G>A, p.Arg1494Lys (NM_057167.4); short protein forms R1700K, R1093K, R1494K.
Identifiers: ClinVar variation 3710435 (VCV003710435.2).